The following is an entry in ClinVar:

NM_001379081.2(FREM1):c.1394G>C (p.Gly465Ala)

Gene: FREM1 (FRAS1 related extracellular matrix 1; minus strand). Cytogenetic location: 9p22.3.
Variant type: single nucleotide variant.
Coding change: c.1394G>C on transcript NM_001379081.2 (MANE Select); coding-DNA position 1394, G replaced by C.
Protein change: p.Gly465Ala; replaces glycine 465 with alanine.
Molecular consequence: missense variant. On other transcripts: non-coding transcript variant (2).
Genome position (GRCh38, 1-based): chr9:14,842,660, C>G on the plus strand (G>C on the coding strand, the complement: FREM1 is on the minus strand). VCF-style: chr9-14842660-C-G. GRCh37 (hg19) VCF-style: chr9-14842658-C-G.
Other names: p.Gly465Ala; c.1394G>C, p.Gly465Ala (NM_144966.7); short protein forms G465A.
Identifiers: ClinVar variation 218939 (VCV000218939.40), dbSNP rs41298151, ClinGen allele CA339661.

ClinVar aggregate classification (germline): Conflicting classifications of pathogenicity. Review status: criteria provided, conflicting classifications (1 of 4 stars). 6 submissions from 6 submitters: Uncertain significance (1); Benign (5). Last evaluated 2026-09-01.

Conditions:
Oculotrichoanal syndrome (MOTA). Also called: MARLES SYNDROME; Manitoba Oculotrichoanal (MOTA) Syndrome. Identifiers: Orphanet 2717, MedGen C1855425, MONDO:0009560, OMIM 248450.
Congenital diaphragmatic hernia. Also called: DIH; Congenital diaphragmatic defect; Unilateral agenesis of diaphragm; Agenesis of hemidiaphragm. Identifiers: Orphanet 2140, MedGen C0235833, MeSH D065630, MONDO:0005711, HP:0000776.

Allele frequency attached by ClinVar (database versions not stated): ESP Exome Variant Server 0.00989; TOPMed 0.01321; 1000 Genomes Project 30x 0.01936; 1000 Genomes Project 0.01997.
gnomAD v4.1: 20,458 of 1,610,642 alleles (1.3%); highest among the groups gnomAD compares: South Asian, 4.7%; 298 homozygotes.

Submissions (16):

CeGaT Center for Human Genetics Tuebingen
Classification: Benign. Last evaluated: 2026-09-01. Review status: criteria provided, single submitter. Criteria: CeGaT Center For Human Genetics Tuebingen Variant Classification Criteria Version 2. Collection method: clinical testing. Allele origin: germline. Affected: yes. Observed: 40 variant alleles.
Comment: FREM1: BS1, BS2

Labcorp Genetics (formerly Invitae), Labcorp
Classification: Benign. Last evaluated: 2026-02-02. Review status: criteria provided, single submitter. Criteria: Invitae Variant Classification Sherloc (09022015). Collection method: clinical testing. Allele origin: germline.

Mayo Clinic Laboratories, Mayo Clinic
Classification: Benign. Last evaluated: 2024-10-10. Review status: criteria provided, single submitter. Criteria: ACMG Guidelines, 2015. Collection method: clinical testing. Allele origin: germline. Observed: 2 variant alleles.
Comment: BA1

Illumina Laboratory Services, Illumina
Classification: Benign for Oculotrichoanal syndrome. Last evaluated: 2018-01-12. Review status: criteria provided, single submitter. Criteria: ICSL Variant Classification Criteria 13 December 2019. Collection method: clinical testing. Allele origin: germline.
Comment: This variant was observed in the ICSL laboratory as part of a predisposition screen in an ostensibly healthy population. It had not been previously curated by ICSL or reported in the Human Gene Mutation Database (HGMD: prior to June 1st, 2018), and was therefore a candidate for classification through an automated scoring system. Utilizing variant allele frequency, disease prevalence and penetrance estimates, and inheritance mode, an automated score was calculated to assess if this variant is too frequent to cause the disease. Based on the score and internal cut-off values, a variant classified as benign is not then subjected to further curation. The score for this variant resulted in a classification of benign for this disease.

Lupski Lab, Baylor-Hopkins CMG, Baylor College of Medicine
Classification: Uncertain significance for Diaphragmatic hernia 1. Last evaluated: 2015-03-03. Review status: criteria provided, single submitter. Criteria: Beck et al. (Am J Med Genet A 2015). Collection method: research. Allele origin: germline. Inheritance: Autosomal dominant inheritance. Affected: yes and no. Observed: 3 variant alleles, 3 heterozygotes.
Comment: It is unclear whether these changes, alone or in aggregate, are contributing to the development of CDH in this family.

PreventionGenetics, part of Exact Sciences
Classification: Benign. Review status: criteria provided, single submitter. Criteria: ACMG Guidelines, 2015. Collection method: clinical testing. Allele origin: germline.

Dr. Peter K. Rogan Lab, Western University
No classification provided (evidence only). Condition: Lung cancer. Review status: no classification provided. Collection method: in vitro. Allele origin: not applicable. Functional consequence: retained intron. Not counted in ClinVar's aggregate classification.

Dr. Peter K. Rogan Lab, Western University
No classification provided (evidence only). Condition: Acute myeloid leukemia. Review status: no classification provided. Collection method: in vitro. Allele origin: not applicable. Functional consequence: retained intron. Not counted in ClinVar's aggregate classification.

Dr. Peter K. Rogan Lab, Western University
No classification provided (evidence only). Condition: Thyroid cancer, nonmedullary, 1. Review status: no classification provided. Collection method: in vitro. Allele origin: not applicable. Functional consequence: retained intron. Not counted in ClinVar's aggregate classification.

Dr. Peter K. Rogan Lab, Western University
No classification provided (evidence only). Condition: Thyroid cancer, nonmedullary, 1. Review status: no classification provided. Collection method: in vitro. Allele origin: not applicable. Functional consequence: retained intron. Not counted in ClinVar's aggregate classification.

Dr. Peter K. Rogan Lab, Western University
No classification provided (evidence only). Condition: Uterine corpus endometrial carcinoma. Review status: no classification provided. Collection method: in vitro. Allele origin: not applicable. Functional consequence: retained intron. Not counted in ClinVar's aggregate classification.

Dr. Peter K. Rogan Lab, Western University
No classification provided (evidence only). Condition: Ovarian serous cystadenocarcinoma. Review status: no classification provided. Collection method: in vitro. Allele origin: not applicable. Functional consequence: retained intron. Not counted in ClinVar's aggregate classification.

Dr. Peter K. Rogan Lab, Western University
No classification provided (evidence only). Condition: Ovarian serous cystadenocarcinoma. Review status: no classification provided. Collection method: in vitro. Allele origin: not applicable. Functional consequence: retained intron. Not counted in ClinVar's aggregate classification.

Dr. Peter K. Rogan Lab, Western University
No classification provided (evidence only). Condition: Gastric cancer. Review status: no classification provided. Collection method: in vitro. Allele origin: not applicable. Functional consequence: retained intron. Not counted in ClinVar's aggregate classification.

Dr. Peter K. Rogan Lab, Western University
No classification provided (evidence only). Condition: Gastric cancer. Review status: no classification provided. Collection method: in vitro. Allele origin: not applicable. Functional consequence: retained intron. Not counted in ClinVar's aggregate classification.

Dr. Peter K. Rogan Lab, Western University
No classification provided (evidence only). Condition: Familial pancreatic carcinoma. Review status: no classification provided. Collection method: in vitro. Allele origin: not applicable. Functional consequence: retained intron. Not counted in ClinVar's aggregate classification.